The following is an entry in ClinVar:

ClinVar aggregate classification (germline): Uncertain significance (1 of 4 stars; one submission).

Submission:

Labcorp Genetics (formerly Invitae), Labcorp
Classification: Uncertain significance. Last evaluated: 2025-05-04. Review status: criteria provided, single submitter. Criteria: Invitae Variant Classification Sherloc (09022015). Collection method: clinical testing. Allele origin: germline.
Comment: This sequence change replaces proline, which is neutral and non-polar, with serine, which is neutral and polar, at codon 95 of the IL23R protein (p.Pro95Ser). This variant is not present in population databases (gnomAD no frequency). This variant has not been reported in the literature in individuals affected with IL23R-related conditions. An algorithm developed to predict the effect of missense changes on protein structure and function (PolyPhen-2) suggests that this variant is likely to be disruptive. In summary, the available evidence is currently insufficient to determine the role of this variant in disease. Therefore, it has been classified as a Variant of Uncertain Significance.

NM_144701.3(IL23R):c.283C>T (p.Pro95Ser)

Gene: IL23R (interleukin 23 receptor; plus strand). Cytogenetic location: 1p31.3.
Variant type: single nucleotide variant.
Coding change: c.283C>T on transcript NM_144701.3 (MANE Select); coding-DNA position 283, C replaced by T.
Protein change: p.Pro95Ser; replaces proline 95 with serine.
Molecular consequence: missense variant.
Genome position (GRCh38, 1-based): chr1:67,169,554, C>T. VCF-style: chr1-67169554-C-T. GRCh37 (hg19) VCF-style: chr1-67635237-C-T.
Other names: short protein forms P95S.
Identifiers: ClinVar variation 4718940 (VCV004718940.1).